The following is an entry in ClinVar:

ClinVar aggregate classification (germline): Pathogenic (1 of 4 stars; one submission).

Conditions:
Autosomal recessive limb-girdle muscular dystrophy type 2A (LGMDR1). Also called: Limb-girdle muscular dystrophy, type 2A; Calpainopathy; LEYDEN-MOEBIUS MUSCULAR DYSTROPHY; MUSCULAR DYSTROPHY, PELVOFEMORAL; Muscular dystrophy, limb-girdle, type 2A, Amish. Identifiers: Orphanet 267, MedGen C1869123, MONDO:0009675, OMIM 253600. Disease mechanism: loss of function.

Submission:

Myriad Genetics, Inc.
Classification: Pathogenic for Autosomal recessive limb-girdle muscular dystrophy type 2A. Last evaluated: 2026-03-18. Review status: criteria provided, single submitter. Criteria: Myriad Autosomal Dominant, Autosomal Recessive and X-Linked Classification Criteria (2023). Collection method: clinical testing. Allele origin: unknown.
Comment: NM_000070.2(CAPN3):c.788delG(G263Afs*10) is a frameshift variant classified as pathogenic in the context of calpainopathy. G263Afs*10 has not been observed in cases with relevant disease. Relevant functional assessments of this variant are not available in the literature. G263Afs*10 has not been observed in referenced population frequency databases. In summary, NM_000070.2(CAPN3):c.788delG(G263Afs*10) is a frameshift variant in a gene where loss of function is a known mechanism of disease and is predicted to disrupt protein function. Please note: this variant was assessed in the context of healthy population screening.

NM_000070.3(CAPN3):c.788del (p.Gly263fs)

Gene: CAPN3 (calpain 3; plus strand). Cytogenetic location: 15q15.1.
Variant type: Deletion.
Coding change: c.788del on transcript NM_000070.3 (MANE Select); coding-DNA position 788, one base deleted (G; older notation c.788delG).
Protein change: p.Gly263fs; shifts the reading frame from glycine 263.
Molecular consequence: frameshift variant.
Genome position (GRCh38, 1-based): chr15:42,389,083, G deleted; the last of 3 consecutive G bases (chr15:42,389,081-42,389,083); deleting any one gives the same sequence. VCF-style (leftmost placement, unchanged base first): chr15-42389080-TG-T. GRCh37 (hg19) VCF-style: chr15-42681278-TG-T.
Other names: c.788del, p.Gly263fs (NM_024344.2, NM_173087.2); short protein forms G263fs.
Identifiers: ClinVar variation 5004542 (VCV005004542.1).